The following is an entry in ClinVar:

NM_000123.4(ERCC5):c.3021dup (p.Lys1008Ter)

Genes: BIVM-ERCC5 (BIVM-ERCC5 readthrough; plus strand), ERCC5 (ERCC excision repair 5, endonuclease; plus strand). Cytogenetic location: 13q33.1.
Variant type: Duplication.
Coding change: c.3021dup on transcript NM_000123.4 (MANE Select); coding-DNA position 3021, one base duplicated (T; older notation c.3021dupT).
Protein change: p.Lys1008Ter; replaces lysine 1008 with a stop codon.
Molecular consequence: nonsense. On other transcripts: frameshift variant (1).
Genome position (GRCh38, 1-based): chr13:102,875,363, T duplicated. VCF-style (leftmost placement, unchanged base first): chr13-102875362-C-CT. GRCh37 (hg19) VCF-style: chr13-103527712-C-CT.
Other names: c.3021dupT (NM_000123.3); c.4383dup, p.Lys1462Ter (NM_001204425.2); short protein forms K1008*, K1462*.
Identifiers: ClinVar variation 2429126 (VCV002429126.3), dbSNP rs750711679, ClinGen allele CA7041820.
Genomic context (GRCh38, chr13:102,875,362, plus strand): 5'-TTTAGACACAGCTCCGAATTGATTCCTTCTTTAGATTAGCACAACAGGAGAAAGAAGATG[C>CT]TAAACGTATTAAGAGCCAGAGACTAAACAGAGCTGTGACATGTATGCTAAGGAAAGAGAA-3'

ClinVar aggregate classification (germline): Uncertain significance (1 of 4 stars; one submission).

Allele frequency attached by ClinVar (database versions not stated): gnomAD exomes below 0.00001; TOPMed below 0.00001; ExAC 0.00001.

Submission:

Women's Health and Genetics/Laboratory Corporation of America, LabCorp
Classification: Uncertain significance. Last evaluated: 2023-01-27. Review status: criteria provided, single submitter. Criteria: LabCorp Variant Classification Summary - May 2015. Collection method: clinical testing. Allele origin: germline.
Comment: Variant summary: ERCC5 c.3021dupT (p.Lys1008X) results in a premature termination codon, predicted to cause a truncation of the encoded protein removing the last 179 amino acids, or absence of the protein due to nonsense mediated decay, which are commonly known mechanisms for disease. Truncations downstream of this position have been classified as uncertain significance by our laboratory. The variant allele was found at a frequency of 4e-06 in 251290 control chromosomes. The available data on variant occurrences in the general population are insufficient to allow any conclusion about variant significance. To our knowledge, no occurrence of c.3021dupT in individuals affected with Xeroderma Pigmentosum and no experimental evidence demonstrating its impact on protein function have been reported. However, a mouse model with a homozygous deletion of the last 183 amino acids of the ERCC5 protein had a normal life span and no particular growth abnormalities; cells with this homozygous deletion were sensitive to UV-light, but may still retain residual ability to remove UV light-induced lesions (PMID: 15082767). No clinical diagnostic laboratories have submitted clinical-significance assessments for this variant to ClinVar after 2014. Based on the evidence outlined above, the variant was classified as uncertain significance.